The following is an entry in ClinVar:

NM_001365276.2(TNXB):c.5325A>G (p.Lys1775=)

Gene: TNXB (tenascin XB; minus strand). Cytogenetic location: 6p21.33.
Variant type: single nucleotide variant.
Coding change: c.5325A>G on transcript NM_001365276.2 (MANE Select); coding-DNA position 5325, A replaced by G.
Protein change: p.Lys1775=; no amino-acid change (lysine 1775 retained).
Molecular consequence: synonymous variant.
Genome position (GRCh38, 1-based): chr6:32,069,815, T>C on the plus strand (A>G on the coding strand, the complement: TNXB is on the minus strand). VCF-style: chr6-32069815-T-C. GRCh37 (hg19) VCF-style: chr6-32037592-T-C.
Other names: p.Lys1775=; c.6066A>G, p.Lys2022= (NM_001428335.1); c.5325A>G, p.Lys1775= (NM_019105.8).
Identifiers: ClinVar variation 4684961 (VCV004684961.1).

ClinVar aggregate classification (germline): Likely benign (1 of 4 stars; one submission).

gnomAD v4.1: 37 of 1,602,574 alleles (0.0023%); highest among the groups gnomAD compares: Non-Finnish European, 0.0031%; no homozygotes.

Submission:

Mayo Clinic Laboratories, Mayo Clinic
Classification: Likely benign. Last evaluated: 2025-04-14. Review status: criteria provided, single submitter. Criteria: ACMG Guidelines, 2015. Collection method: clinical testing. Allele origin: germline. Observed: 1 variant allele.
Comment: BP4, BP7